The following is an entry in ClinVar:

NM_000052.7(ATP7A):c.3070A>G (p.Ile1024Val)

Gene: ATP7A (ATPase copper transporting alpha; plus strand). Cytogenetic location: Xq21.1.
Variant type: single nucleotide variant.
Coding change: c.3070A>G on transcript NM_000052.7 (MANE Select); coding-DNA position 3070, A replaced by G.
Protein change: p.Ile1024Val; replaces isoleucine 1024 with valine.
Molecular consequence: missense variant.
Genome position (GRCh38, 1-based): chrX:78,029,403, A>G. VCF-style: chrX-78029403-A-G. GRCh37 (hg19) VCF-style: chrX-77284900-A-G.
Other names: c.2836A>G, p.Ile946Val (NM_001282224.2); short protein forms I1024V, I946V.
Identifiers: ClinVar variation 644057 (VCV000644057.9), dbSNP rs1341604631, ClinGen allele CA413603319.
Genomic context (GRCh38, chrX:78,029,403, plus strand): 5'-CTGGGACTGGCCACTCCAACTGCTGTGATGGTGGGTACAGGAGTAGGTGCTCAAAATGGC[A>G]TACTAATAAAAGGTGGAGAGCCATTGGAGATGGCTCATAAGGTAAGACAGTCCCCAGAAC-3'
Protein context (NP_000043.4, residues 1014-1034): VGTGVGAQNG[Ile1024Val]LIKGGEPLEM

ClinVar aggregate classification (germline): Uncertain significance. Review status: criteria provided, multiple submitters, no conflicts (2 of 4 stars). 3 submissions from 3 submitters: Uncertain significance (2). 1 of the submissions does not count toward it. Last evaluated 2025-06-15.

Conditions:
Menkes kinky-hair syndrome (MNK). Also called: Copper transport disease; Menkes Disease; Classic Menkes Disease. Identifiers: Orphanet 565, MedGen C0022716, MONDO:0010651, OMIM 309400.
Cutis laxa, X-linked (OHS). Also called: Occipital horn syndrome; EDS IX. Identifiers: Orphanet 198, MedGen C0268353, MONDO:0010572, OMIM 304150.
X-linked distal spinal muscular atrophy type 3. Also called: ATP7A-Related Distal Motor Neuropathy; SPINAL MUSCULAR ATROPHY, DISTAL, X-LINKED RECESSIVE; NEURONOPATHY, DISTAL HEREDITARY MOTOR, X-LINKED; NEUROPATHY, DISTAL HEREDITARY MOTOR, X-LINKED. Identifiers: Orphanet 139557, MedGen C1845359, MONDO:0010338, OMIM 300489.

Allele frequency attached by ClinVar (database versions not stated): gnomAD 0.00001; gnomAD exomes 0.00001; TOPMed 0.00001.
gnomAD v4.1: 10 of 1,209,692 alleles (0.00083%); highest among the groups gnomAD compares: Non-Finnish European, 0.001%; no homozygotes.

Submissions (3):

Labcorp Genetics (formerly Invitae), Labcorp
Classification: Uncertain significance for X-linked distal spinal muscular atrophy type 3; Cutis laxa, X-linked; Menkes kinky-hair syndrome. Last evaluated: 2025-06-15. Review status: criteria provided, single submitter. Criteria: Invitae Variant Classification Sherloc (09022015). Collection method: clinical testing. Allele origin: germline.
Comment: This sequence change replaces isoleucine, which is neutral and non-polar, with valine, which is neutral and non-polar, at codon 1024 of the ATP7A protein (p.Ile1024Val). This variant is not present in population databases (gnomAD no frequency). This variant has not been reported in the literature in individuals affected with ATP7A-related conditions. ClinVar contains an entry for this variant (Variation ID: 644057). Invitae Evidence Modeling of protein sequence and biophysical properties (such as structural, functional, and spatial information, amino acid conservation, physicochemical variation, residue mobility, and thermodynamic stability) indicates that this missense variant is not expected to disrupt ATP7A protein function with a negative predictive value of 95%. In summary, the available evidence is currently insufficient to determine the role of this variant in disease. Therefore, it has been classified as a Variant of Uncertain Significance.

Fulgent Genetics
Classification: Uncertain significance for X-linked distal spinal muscular atrophy type 3; Cutis laxa, X-linked; Menkes kinky-hair syndrome. Last evaluated: 2021-07-07. Review status: criteria provided, single submitter. Criteria: ACMG Guidelines, 2015. Collection method: clinical testing. Allele origin: unknown.

Natera, Inc.
Classification: Uncertain significance for Menkes kinky hair syndrome. Last evaluated: 2021-01-11. Review status: no assertion criteria provided. Collection method: clinical testing. Allele origin: germline. Not counted in ClinVar's aggregate classification.